The following is an entry in ClinVar:

ClinVar aggregate classification (germline): Conflicting classifications of pathogenicity. Review status: criteria provided, conflicting classifications (1 of 4 stars). 2 submissions from 2 submitters: Uncertain significance (1); Likely benign (1). Last evaluated 2025-05-23.

Conditions:
Hereditary cancer-predisposing syndrome. Also called: Tumor predisposition; Neoplastic Syndromes, Hereditary; Hereditary neoplastic syndrome; Hereditary Cancer Syndrome. Identifiers: Orphanet 140162, MedGen C0027672, MeSH D009386, MONDO:0015356.
EGFR-related lung cancer (EGFR). Identifiers: MedGen CN130014.

Allele frequency attached by ClinVar (database versions not stated): gnomAD exomes 0.00001; ExAC 0.00002.
gnomAD v4.1: 5 of 1,611,162 alleles (0.00031%); highest among the groups gnomAD compares: South Asian, 0.0022%; no homozygotes.

Submissions (2):

Ambry Genetics
Classification: Likely benign for Hereditary cancer-predisposing syndrome. Last evaluated: 2025-05-23. Review status: criteria provided, single submitter. Criteria: Ambry Variant Classification Scheme 2023. Collection method: clinical testing. Allele origin: germline.

Labcorp Genetics (formerly Invitae), Labcorp
Classification: Uncertain significance for EGFR-related lung cancer. Last evaluated: 2022-08-15. Review status: criteria provided, single submitter. Criteria: Invitae Variant Classification Sherloc (09022015). Collection method: clinical testing. Allele origin: germline.
Comment: In summary, the available evidence is currently insufficient to determine the role of this variant in disease. Therefore, it has been classified as a Variant of Uncertain Significance. Algorithms developed to predict the effect of missense changes on protein structure and function (SIFT, PolyPhen-2, Align-GVGD) all suggest that this variant is likely to be tolerated. ClinVar contains an entry for this variant (Variation ID: 1019264). This variant has not been reported in the literature in individuals affected with EGFR-related conditions. The frequency data for this variant in the population databases is considered unreliable, as metrics indicate poor data quality at this position in the gnomAD database. This sequence change replaces arginine, which is basic and polar, with histidine, which is basic and polar, at codon 334 of the EGFR protein (p.Arg334His).

NM_005228.5(EGFR):c.1001G>A (p.Arg334His)

Gene: EGFR (epidermal growth factor receptor; plus strand). Cytogenetic location: 7p11.2.
Variant type: single nucleotide variant.
Coding change: c.1001G>A on transcript NM_005228.5 (MANE Select); coding-DNA position 1001, G replaced by A.
Protein change: p.Arg334His; replaces arginine 334 with histidine.
Molecular consequence: missense variant.
Genome position (GRCh38, 1-based): chr7:55,155,941, G>A. VCF-style: chr7-55155941-G-A. GRCh37 (hg19) VCF-style: chr7-55223634-G-A.
Other names: c.866G>A, p.Arg289His (NM_001346897.2, NM_001346899.2); c.1001G>A, p.Arg334His (NM_001346898.2, NM_201282.2, NM_201283.2 and 1 more transcripts); c.842G>A, p.Arg281His (NM_001346900.2); c.200G>A, p.Arg67His (NM_001346941.2); c.1001G>A (NM_005228.3); short protein forms R281H, R289H, R334H, R67H.
Identifiers: ClinVar variation 1019264 (VCV001019264.8), dbSNP rs771929085, ClinGen allele CA4265435.